The following is an entry in ClinVar:

ClinVar aggregate classification (germline): Pathogenic. Review status: criteria provided, single submitter (1 of 4 stars). 2 submissions from 2 submitters: Pathogenic (1). 1 of the submissions does not count toward it. Last evaluated 2025-10-02.

Conditions:
Atypical hemolytic-uremic syndrome. Identifiers: Orphanet 2134, MedGen C2931788, MONDO:0016244.
Atypical hemolytic-uremic syndrome with MCP/CD46 anomaly. Also called: HEMOLYTIC UREMIC SYNDROME, ATYPICAL, SUSCEPTIBILITY TO, 2; AHUS, SUSCEPTIBILITY TO, 2. Identifiers: Orphanet 2134, MedGen C2752040, MONDO:0013040, OMIM 612922.

Submissions (2):

Genomenon, Inc
Classification: Pathogenic for Atypical hemolytic-uremic syndrome. Last evaluated: 2025-10-02. Review status: criteria provided, single submitter. Criteria: Genomenon Sequence Variant Interpretation Standards. Collection method: curation. Allele origin: germline. Affected: yes.
Comment: CD46 p.Thr267AsnfsTer4 (c.800_801del) is a frameshift variant that results in the production of a truncated protein which is predicted to undergo nonsense-mediated mRNA decay. This variant has been observed in at least one proband affected with atypical hemolytic-uremic syndrome (PMID:14615110). The variant was found to segregate with disease in at least one affected family (PMID:14615110). It is absent or not present at a significant frequency in gnomAD. In conclusion, we classify CD46 p.Thr267AsnfsTer4 (c.800_801del) as a pathogenic variant.

OMIM
Classification: risk factor for HEMOLYTIC UREMIC SYNDROME, ATYPICAL, SUSCEPTIBILITY TO, 2. Last evaluated: 2003-11-08. Review status: no assertion criteria provided. Collection method: literature only. Allele origin: germline. Not counted in ClinVar's aggregate classification.

Literature cited by the submitters: PubMed 14615110 (cited by Genomenon, Inc and OMIM); PubMed 10528197 (cited by OMIM).

NM_172351.3(CD46):c.800_801del (p.Thr267fs)

Gene: CD46 (CD46 molecule; plus strand). Cytogenetic location: 1q32.2.
Variant type: Microsatellite.
Coding change: c.800_801del on transcript NM_172351.3 (MANE Select); coding-DNA positions 800 to 801, 2 bases deleted (CA; older notation c.800_801delCA).
Protein change: p.Thr267fs; shifts the reading frame from threonine 267.
Molecular consequence: frameshift variant.
Genome position (GRCh38, 1-based): chr1:207,767,139-207,767,140, CA deleted; deleting any 2 consecutive bases within chr1:207,767,136-207,767,140 gives the same sequence; the c. name uses the placement nearest the transcript's 3' end. VCF-style (leftmost placement, unchanged base first): chr1-207767135-GAC-G. GRCh37 (hg19) VCF-style: chr1-207940480-GAC-G.
Other names: c.800_801del, p.Thr267fs (NM_002389.4, NM_153826.4, NM_172350.3 and 8 more transcripts); short protein forms T267fs.
Identifiers: ClinVar variation 17044 (VCV000017044.2), dbSNP rs1558056827, ClinGen allele CA528615545.